The following continues an entry in ClinVar:

NM_001048174.2(MUTYH):c.409G>A (p.Ala137Thr)

Gene: MUTYH. ClinVar aggregate classification (germline): Uncertain significance. Uncertain significance (12).

Submissions 9 to 13 of 13:

Women's Health and Genetics/Laboratory Corporation of America, LabCorp
Classification: Uncertain significance. Last evaluated: 2023-02-20. Review status: criteria provided, single submitter. Criteria: LabCorp Variant Classification Summary - May 2015. Collection method: clinical testing. Allele origin: germline.
Comment: Variant summary: MUTYH c.493G>A (p.Ala165Thr) results in a non-conservative amino acid change located in the HhH-GPD domain (IPR003265) of the encoded protein sequence. Five of five in-silico tools predict a damaging effect of the variant on protein function. The variant allele was found at a frequency of 4e-05 in 250516 control chromosomes (gnomAD). This frequency is not higher than the estimated maximum expected for a pathogenic variant in MUTYH causing Hereditary Breast And Ovarian Cancer Syndrome (0.0056), allowing no conclusion about variant significance. The variant, c.493G>A, has been reported in the literature in individuals with a personal- or family history of Breast and/or Ovarian Cancer, and other tumor phenotypes (Tsaousis_2019, Chen_2020). In a recent large study evaluating breast cancer cases and controls in the Breast Cancer Association Consortium (BCAC), the variant was reported in 4/60466 cases, but was also found in 11/53461 controls (Dorling_2021, reported through LOVD). These reports do not provide unequivocal conclusions about association of the variant with Hereditary Breast And Ovarian Cancer Syndrome. To our knowledge, no experimental evidence demonstrating an impact on protein function has been reported. Seven clinical diagnostic laboratories have submitted clinical-significance assessments for this variant to ClinVar after 2014, and all laboratories classified the variant as uncertain significance. Based on the evidence outlined above, the variant was classified as uncertain significance.

Sema4
Classification: Uncertain significance for Hereditary cancer-predisposing syndrome. Last evaluated: 2022-02-10. Review status: criteria provided, single submitter. Criteria: Sema4 Curation Guidelines. Collection method: curation. Allele origin: germline.
Comment: The MUTYH c.493G>A (p.A165T) has been reported in heterozygosity in multiple individuals with colorectal, breast, and/or kidney cancer (PMID: 29212164, 26689913, 25186627, 33471991, 30982232, among others), as well as in controls (PMID: 33471991). This variant was observed in 7/19944 chromosomes in the East Asian population according to the Genome Aggregation Database (PMID: 32461654) and has been reported in ClinVar (Variation ID: 185959). In silico tools suggest the impact of the variant on protein function is deleterious, though these predictions have not been confirmed by functional studies. Based on the current evidence available, this variant is interpreted as a variant of uncertain significance.

GeneDx
Classification: Uncertain significance. Last evaluated: 2021-08-12. Review status: criteria provided, single submitter. Criteria: GeneDx Variant Classification Process June 2021. Collection method: clinical testing. Allele origin: germline. Affected: yes.
Comment: In silico analysis, which includes protein predictors and evolutionary conservation, supports a deleterious effect; Observed in individuals with kidney or breast cancer (Lu 2015, Tung 2015, Yehia 2018); This variant is associated with the following publications: (PMID: 31159747, 29684080, 28706299, 25186627, 26689913)

GeneKor MSA
Classification: Uncertain significance for Hereditary cancer-predisposing syndrome. Last evaluated: 2018-08-01. Review status: criteria provided, single submitter. Criteria: ACMG Guidelines, 2015. Collection method: clinical testing. Allele origin: germline. Affected: yes.

Counsyl
Classification: Uncertain significance for Familial adenomatous polyposis 2. Last evaluated: 2017-06-13. Review status: no assertion criteria provided. Collection method: clinical testing. Allele origin: unknown. Not counted in ClinVar's aggregate classification.

Literature cited by the submitters: PubMed 31159747 (cited by 3 submitters); PubMed 33471991 (cited by 5 submitters); PubMed 36243179 (cited by Quest Diagnostics Nichols Institute San Juan Capistrano); PubMed 30982232 (cited by Quest Diagnostics Nichols Institute San Juan Capistrano and Sema4); PubMed 29212164 (cited by 3 submitters); PubMed 26689913 (cited by 5 submitters); PubMed 25186627 (cited by 5 submitters); PubMed 31867841 (cited by Women's Health and Genetics/Laboratory Corporation of America, LabCorp).